The following is an entry in ClinVar:

ClinVar aggregate classification (germline): Uncertain significance (1 of 4 stars; one submission).

Conditions:
Cardiovascular phenotype. Identifiers: MedGen CN230736.

Submission:

Ambry Genetics
Classification: Uncertain significance for Cardiovascular phenotype. Last evaluated: 2024-07-03. Review status: criteria provided, single submitter. Criteria: Ambry Variant Classification Scheme 2023. Collection method: clinical testing. Allele origin: germline.
Comment: The c.768delC variant, located in coding exon 6 of the TRPM4 gene, results from a deletion of one nucleotide at nucleotide position 768, causing a translational frameshift with a predicted alternate stop codon (p.Y256*). This alteration is expected to result in protein truncation or nonsense-mediated mRNA decay. However, loss of function of TRPM4 has not been established as a mechanism of disease. Based on the available evidence, the clinical significance of this alteration remains unclear.

NM_017636.4(TRPM4):c.768del (p.Ser255_Tyr256insTer)

Gene: TRPM4 (transient receptor potential cation channel subfamily M member 4; plus strand). Cytogenetic location: 19q13.33.
Variant type: Deletion.
Coding change: c.768del on transcript NM_017636.4 (MANE Select); coding-DNA position 768, one base deleted (C; older notation c.768delC).
Protein change: p.Ser255_Tyr256insTer.
Molecular consequence: nonsense. On other transcripts: 5 prime UTR variant (2).
Genome position (GRCh38, 1-based): chr19:49,168,708, C deleted. VCF-style (leftmost placement, unchanged base first): chr19-49168707-AC-A. GRCh37 (hg19) VCF-style: chr19-49671964-AC-A.
Other names: c.768del, p.Ser255_Tyr256insTer (NM_001195227.2); c.423del, p.Ser140_Tyr141insTer (NM_001321281.2); c.-786del (NM_001321282.2); c.246del, p.Ser81_Tyr82insTer (NM_001321283.2); c.-82del (NM_001321285.2).
Identifiers: ClinVar variation 3462133 (VCV003462133.1).
Genomic context (GRCh38, chr19:49,168,707, plus strand): 5'-ACGACGGCACACACGGCTGCCTGGGGGGCGAGAACCGCTTCCGCTTGCGCCTGGAGTCCT[AC>A]ATCTCACAGCAGAAGACGGGCGTGGGAGGTGAGTGGTCGAACCCATGACCCACAACCCAC-3'